The following is an entry in ClinVar:

ClinVar aggregate classification (germline): Pathogenic/Likely pathogenic. Review status: criteria provided, multiple submitters, no conflicts (2 of 4 stars). 9 submissions from 9 submitters: Pathogenic (3); Likely pathogenic (2). 4 of the submissions do not count toward it. Last evaluated 2025-11-30.

Conditions:
Maturity-onset diabetes of the young type 13. Also called: MODY, TYPE 13. Identifiers: Orphanet 552, MedGen C4225365, MONDO:0014589, OMIM 616329.
Type 2 diabetes mellitus. Also called: Type II diabetes mellitus. Identifiers: MedGen C0011860, MeSH D003924, MONDO:0005148, OMIM 125853, HP:0005978.
Hyperinsulinemic hypoglycemia, familial, 2. Also called: HYPERINSULINEMIC HYPOGLYCEMIA, PERSISTENT; HYPERINSULINISM, NEONATAL. Identifiers: Orphanet 276580, Orphanet 276603, MedGen C2931833, MONDO:0011153, OMIM 601820. Disease mechanism: loss of function.
Diabetes mellitus, permanent neonatal 2. Also called: KCNJ11-Related Permanent Neonatal Diabetes Mellitus. Identifiers: MedGen C5394296, MONDO:0030087, OMIM 618856.
Diabetes mellitus, transient neonatal, 3 (TNDM3). Identifiers: Orphanet 99886, MedGen C1864623, MONDO:0012522, OMIM 610582. Disease mechanism: loss of function.
Permanent neonatal diabetes mellitus 1. Also called: GCK-Related Permanent Neonatal Diabetes Mellitus. Identifiers: MedGen C5393570, MONDO:0100165, OMIM 606176.
Maturity-onset diabetes of the young (MODY). Also called: Maturity onset diabetes mellitus in young. Identifiers: Orphanet 552, MedGen C0342276, MONDO:0018911, HP:0004904.
Permanent neonatal diabetes mellitus (PNDM). Identifiers: Orphanet 99885, MedGen C1833104, MONDO:0100164, MONDO:0011643. Disease mechanism: gain of function.

Allele frequency attached by ClinVar (database versions not stated): gnomAD 0.00001.
gnomAD v4.1: 13 of 1,614,076 alleles (0.00081%); highest among the groups gnomAD compares: Admixed American, 0.0033%; no homozygotes.

Submissions (9):

Natera, Inc.
Classification: Likely pathogenic for Permanent neonatal diabetes mellitus. Last evaluated: 2025-11-30. Review status: criteria provided, single submitter. Criteria: Natera Variant Classification Schema (03/2026). Collection method: clinical testing. Allele origin: germline.
Comment: The c.902G>A variant in KCNJ11 is a missense variant predicted to cause substitution of arginine to histidine at amino acid 301. This variant is rare in the general population with a frequency below the threshold expected for the associated phenotype(s). This variant has been observed in one or more individuals affected with the associated recessive disease, as either homozygous or compound heterozygous with a second variant (PMID: 34304300). This variant has been observed in affected individual(s) with monoallelic occurrence (heterozygous/hemizygous) (PMID: 18250167, 14715863, 23275527, 15562009). Functional studies show that this variant may disrupt protein function (PMID: 18250167). A different variant at the same position has been determined to be Pathogenic or Likely Pathogenic. Computational prediction algorithms indicate this variant is likely to affect gene or protein function. Given the available evidence, this variant is classified as Likely Pathogenic.

Fulgent Genetics
Classification: Pathogenic for Type 2 diabetes mellitus; Hyperinsulinemic hypoglycemia, familial, 2; Diabetes mellitus, transient neonatal, 3; Maturity-onset diabetes of the young type 13; Diabetes mellitus, permanent neonatal 2. Last evaluated: 2024-03-19. Review status: criteria provided, single submitter. Criteria: ACMG Guidelines, 2015. Collection method: clinical testing. Allele origin: germline.

Baylor Genetics
Classification: Pathogenic for Type 2 diabetes mellitus. Last evaluated: 2024-02-09. Review status: criteria provided, single submitter. Criteria: ACMG Guidelines, 2015. Collection method: clinical testing. Allele origin: unknown.

Labcorp Genetics (formerly Invitae), Labcorp
Classification: Pathogenic. Last evaluated: 2024-01-08. Review status: criteria provided, single submitter. Criteria: Invitae Variant Classification Sherloc (09022015). Collection method: clinical testing. Allele origin: germline.
Comment: This sequence change replaces arginine, which is basic and polar, with histidine, which is basic and polar, at codon 301 of the KCNJ11 protein (p.Arg301His). This variant is present in population databases (rs74339576, gnomAD 0.006%). This missense change has been observed in individuals with congenital hyperinsulinism (PMID: 14715863, 15562009, 23275527, 23345197). ClinVar contains an entry for this variant (Variation ID: 8683). Advanced modeling of protein sequence and biophysical properties (such as structural, functional, and spatial information, amino acid conservation, physicochemical variation, residue mobility, and thermodynamic stability) performed at Invitae indicates that this missense variant is expected to disrupt KCNJ11 protein function with a positive predictive value of 95%. Experimental studies have shown that this missense change affects KCNJ11 function (PMID: 18250167). This variant disrupts the p.Arg301 amino acid residue in KCNJ11. Other variant(s) that disrupt this residue have been determined to be pathogenic (PMID: 18250167, 20685672, 23275527). This suggests that this residue is clinically significant, and that variants that disrupt this residue are likely to be disease-causing. For these reasons, this variant has been classified as Pathogenic.

Juno Genomics, Hangzhou Juno Genomics, Inc
Classification: Likely pathogenic for Diabetes mellitus, transient neonatal, 3; Diabetes mellitus, permanent neonatal 2; Hyperinsulinemic hypoglycemia, familial, 2; Maturity-onset diabetes of the young type 13. Review status: criteria provided, single submitter. Criteria: ACMG Guidelines, 2015. Collection method: clinical testing. Allele origin: germline.
Comment: Absent from controls (or at extremely low frequency if recessive) in Genome Aggregation Database.;Novel missense change at an amino acid residue where a different missense change determined to be pathogenic has been seen before.;Well-established in vitro or in vivo functional studies supportive of a damaging effect on the gene or gene product.;The prevalence of the variant in affected individuals is significantly increased compared to the prevalence in controls.;Patient's phenotype or family history is highly specific for a disease with a single genetic etiology.

Counsyl
Classification: Likely pathogenic for Hyperinsulinemic hypoglycemia, familial, 2; Permanent neonatal diabetes mellitus 1; Diabetes mellitus, transient neonatal, 3. Last evaluated: 2017-12-11. Review status: no assertion criteria provided. Collection method: clinical testing. Allele origin: unknown. Not counted in ClinVar's aggregate classification.

OMIM
Classification: Pathogenic for HYPERINSULINEMIC HYPOGLYCEMIA, FAMILIAL, 2. Last evaluated: 2005-02-01. Review status: no assertion criteria provided. Collection method: literature only. Allele origin: germline. Not counted in ClinVar's aggregate classification.

Illumina Laboratory Services, Illumina
Classification: Uncertain significance for Hyperinsulinemic hypoglycemia, familial, 2. Last evaluated: 2017-05-25. Review status: flagged submission. Criteria: ICSL Variant Classification Criteria 13 December 2019. Collection method: clinical testing. Allele origin: germline. Not counted in ClinVar's aggregate classification.
Comment: This variant was observed as part of a predisposition screen in an ostensibly healthy population. A literature search was performed for the gene, cDNA change, and amino acid change (where applicable). Publications were found based on this search. However, the evidence from the literature, in combination with allele frequency data from public databases where available, was not sufficient to rule this variant in or out of causing disease. Therefore, this variant is classified as a variant of unknown significance.
ClinVar note: Reason: Claim with insufficient supporting evidence

Clinical Genomics, Uppaluri K&H Personalized Medicine Clinic
Classification: Uncertain significance for Maturity-onset diabetes of the young. Review status: flagged submission. Criteria: K & H Uppaluri Personalized Medicine Clinic Variant Classification & Assertion Criteria_Updated V.1. Collection method: research. Allele origin: somatic. Inheritance: Autosomal dominant inheritance. Not counted in ClinVar's aggregate classification.
Comment: Mutations in KCNJ11 gene can cause decreased production and secretion of insulin. This can lead to MODY which may be responsive to oral sulfonylureas. It is also associated with Neonatal Diabetes. However, no sufficient evidence is found to ascertain the role of this particular variant (rs74339576) in MODY yet.
ClinVar note: Reason: Claim with insufficient supporting evidence

Literature cited by the submitters: PubMed 34304300 (cited by Natera, Inc.); PubMed 18250167 (cited by 4 submitters); PubMed 14715863 (cited by 3 submitters); PubMed 23275527 (cited by 3 submitters); PubMed 15562009 (cited by 5 submitters); PubMed 23345197 (cited by Labcorp Genetics (formerly Invitae), Labcorp and Counsyl); PubMed 20685672 (cited by 3 submitters); PubMed 22311976 (cited by Counsyl); PubMed 17673911 (cited by Illumina Laboratory Services, Illumina); PubMed 25637631 (cited by Illumina Laboratory Services, Illumina); PubMed 21115269 (cited by Illumina Laboratory Services, Illumina); PubMed 18767144 (cited by Clinical Genomics, Uppaluri K&H Personalized Medicine Clinic); PubMed 26448950 (cited by Clinical Genomics, Uppaluri K&H Personalized Medicine Clinic); PubMed 15580558 (cited by Clinical Genomics, Uppaluri K&H Personalized Medicine Clinic); PubMed 15718250 (cited by Clinical Genomics, Uppaluri K&H Personalized Medicine Clinic); PubMed 32935446 (cited by Clinical Genomics, Uppaluri K&H Personalized Medicine Clinic); PubMed 22701567 (cited by Clinical Genomics, Uppaluri K&H Personalized Medicine Clinic).

NM_000525.4(KCNJ11):c.902G>A (p.Arg301His)

Gene: KCNJ11 (potassium inwardly rectifying channel subfamily J member 11; minus strand). Cytogenetic location: 11p15.1.
Variant type: single nucleotide variant.
Coding change: c.902G>A on transcript NM_000525.4 (MANE Select); coding-DNA position 902, G replaced by A.
Protein change: p.Arg301His; replaces arginine 301 with histidine.
Molecular consequence: missense variant.
Genome position (GRCh38, 1-based): chr11:17,387,190, C>T on the plus strand (G>A on the coding strand, the complement: KCNJ11 is on the minus strand). VCF-style: chr11-17387190-C-T. GRCh37 (hg19) VCF-style: chr11-17408737-C-T.
Other names: c.641G>A, p.Arg214His (NM_001166290.2, NM_001377296.1, NM_001377297.1); short protein forms R301H, R214H.
Identifiers: ClinVar variation 8683 (VCV000008683.21), dbSNP rs74339576, ClinGen allele CA254524.